The following is an entry in ClinVar:

ClinVar aggregate classification (germline): Uncertain significance (1 of 4 stars; one submission).

Conditions:
Progressive myoclonic epilepsy. Also called: Familial progressive myoclonic epilepsy; Myoclonic Epilepsies, Progressive; Myoclonus epilepsy; Progressive myoclonus epilepsy. Identifiers: Orphanet 308, Orphanet 98261, MedGen C0751778, MONDO:0020074.

Submission:

Labcorp Genetics (formerly Invitae), Labcorp
Classification: Uncertain significance for Progressive myoclonic epilepsy. Last evaluated: 2022-07-23. Review status: criteria provided, single submitter. Criteria: Invitae Variant Classification Sherloc (09022015). Collection method: clinical testing. Allele origin: germline.
Comment: This variant has not been reported in the literature in individuals affected with GOSR2-related conditions. Algorithms developed to predict the effect of missense changes on protein structure and function (SIFT, PolyPhen-2, Align-GVGD) all suggest that this variant is likely to be tolerated. In summary, the available evidence is currently insufficient to determine the role of this variant in disease. Therefore, it has been classified as a Variant of Uncertain Significance. This variant is not present in population databases (gnomAD no frequency). This sequence change replaces glutamine, which is neutral and polar, with arginine, which is basic and polar, at codon 125 of the GOSR2 protein (p.Gln125Arg).

NM_004287.5(GOSR2):c.374A>G (p.Gln125Arg)

Genes: GOSR2 (golgi SNAP receptor complex member 2; plus strand), LRRC37A2 (leucine rich repeat containing 37 member A2). Cytogenetic location: 17q21.32.
Variant type: single nucleotide variant.
Coding change: c.374A>G on transcript NM_004287.5 (MANE Select); coding-DNA position 374, A replaced by G.
Protein change: p.Gln125Arg; replaces glutamine 125 with arginine.
Molecular consequence: missense variant. On other transcripts: non-coding transcript variant (1), intron variant (4).
Genome position (GRCh38, 1-based): chr17:46,935,066, A>G. VCF-style: chr17-46935066-A-G. GRCh37 (hg19) VCF-style: chr17-45012432-A-G.
Other names: c.374A>G, p.Gln125Arg (NM_001012511.3, NM_001321133.2, NM_054022.4); c.371A>G, p.Gln124Arg (NM_001353114.2); c.320A>G, p.Gln107Arg (NM_001363851.2); c.282+2867A>G (NM_001321134.2); c.336+2867A>G (NM_001330252.2); c.333+2867A>G (NM_001353115.2, NM_001353116.2); short protein forms Q107R, Q124R, Q125R.
Identifiers: ClinVar variation 1713500 (VCV001713500.6), dbSNP rs2546294527, ClinGen allele CA400018034.
Genomic context (GRCh38, chr17:46,935,066, plus strand): 5'-AAGTGCCTGTGTTTCTTTCACAGGACTCTGACACCACCATACCAATGGACGAATCACTGC[A>G]GTTTAACTCCTCCCTCCAGAAAGTTCACAACGGCATGGATGACCTCATTTTAGATGGGCA-3'
Protein context (NP_004278.2, residues 115-135): DTTIPMDESL[Gln125Arg]FNSSLQKVHN